The following is an entry in ClinVar:

ClinVar aggregate classification (germline): Uncertain significance. Review status: criteria provided, multiple submitters, no conflicts (2 of 4 stars). 2 submissions from 2 submitters: Uncertain significance (2). Last evaluated 2022-08-01.

Conditions:
Cardiovascular phenotype. Identifiers: MedGen CN230736.
Hereditary cancer-predisposing syndrome. Also called: Hereditary neoplastic syndrome; Neoplastic Syndromes, Hereditary; Tumor predisposition; Hereditary Cancer Syndrome. Identifiers: Orphanet 140162, MedGen C0027672, MeSH D009386, MONDO:0015356.

Submissions (2):

CeGaT Center for Human Genetics Tuebingen
Classification: Uncertain significance. Last evaluated: 2022-08-01. Review status: criteria provided, single submitter. Criteria: CeGaT Center For Human Genetics Tuebingen Variant Classification Criteria Version 2. Collection method: clinical testing. Allele origin: germline. Affected: yes. Observed: 1 variant allele.
Comment: LZTR1: PM2

Ambry Genetics
Classification: Uncertain significance for Cardiovascular phenotype; Hereditary cancer-predisposing syndrome. Last evaluated: 2021-12-16. Review status: criteria provided, single submitter. Criteria: Ambry Variant Classification Scheme 2023. Collection method: clinical testing. Allele origin: germline.
Comment: The p.D549N variant (also known as c.1645G>A), located in coding exon 15 of the LZTR1 gene, results from a G to A substitution at nucleotide position 1645. The aspartic acid at codon 549 is replaced by asparagine, an amino acid with highly similar properties. This amino acid position is highly conserved in available vertebrate species. In addition, this alteration is predicted to be tolerated by in silico analysis. Since supporting evidence is limited at this time, the clinical significance of this alteration remains unclear.

NM_006767.4(LZTR1):c.1645G>A (p.Asp549Asn)

Gene: LZTR1 (leucine zipper like post translational regulator 1; plus strand). Cytogenetic location: 22q11.21.
Variant type: single nucleotide variant.
Coding change: c.1645G>A on transcript NM_006767.4 (MANE Select); coding-DNA position 1645, G replaced by A.
Protein change: p.Asp549Asn; replaces aspartic acid 549 with asparagine.
Molecular consequence: missense variant.
Genome position (GRCh38, 1-based): chr22:20,994,587, G>A. VCF-style: chr22-20994587-G-A. GRCh37 (hg19) VCF-style: chr22-21348876-G-A.
Other names: short protein forms D549N.
Identifiers: ClinVar variation 1777141 (VCV001777141.26), dbSNP rs2518621674, ClinGen allele CA410776617.